The following is an entry in ClinVar:

ClinVar aggregate classification (germline): Uncertain significance (1 of 4 stars; one submission).

gnomAD v4.1: 11 of 1,174,593 alleles (0.00094%); highest among the groups gnomAD compares: Non-Finnish European, 0.0013%; no homozygotes.

Submission:

GeneDx
Classification: Uncertain significance. Last evaluated: 2024-11-15. Review status: criteria provided, single submitter. Criteria: GeneDx Variant Classification Process June 2021. Collection method: clinical testing. Allele origin: germline. Affected: yes.
Comment: Not observed at significant frequency in large population cohorts (gnomAD); In silico analysis supports that this missense variant has a deleterious effect on protein structure/function; Has not been previously published as pathogenic or benign to our knowledge; Variants in candidate genes are classified as variants of uncertain significance in accordance with ACMG guidelines (PMID: 25741868)

NM_001282874.2(SMARCA1):c.2114A>G (p.Glu705Gly)

Gene: SMARCA1 (SNF2 related chromatin remodeling ATPase 1; minus strand). Cytogenetic location: Xq25.
Variant type: single nucleotide variant.
Coding change: c.2114A>G on transcript NM_001282874.2 (MANE Select); coding-DNA position 2114, A replaced by G.
Protein change: p.Glu705Gly; replaces glutamic acid 705 with glycine.
Molecular consequence: missense variant.
Genome position (GRCh38, 1-based): chrX:129,487,121, T>C on the plus strand (A>G on the coding strand, the complement: SMARCA1 is on the minus strand). VCF-style: chrX-129487121-T-C. GRCh37 (hg19) VCF-style: chrX-128621098-T-C.
Other names: c.2078A>G, p.Glu693Gly (NM_001282875.2, NM_001378262.1, NM_001378263.1 and 1 more transcripts); c.2114A>G, p.Glu705Gly (NM_001378261.1, NM_003069.5); short protein forms E693G, E705G.
Identifiers: ClinVar variation 3899504 (VCV003899504.1).
Genomic context (GRCh38, chrX:129,487,121, plus strand): 5'-CTTTGTTCAATGTCCATTCTAAAATTTCTTAGAGAAGACTCTCCCATTTTTTGCAGGCGT[T>C]CATTCATCTCTGCAGTCTAAAGGTGAAAACATTGAAATGAGAAAATTATCACTGAATTAC-3'
Protein context (NP_001269803.1, residues 695-715): RGEKKTAEMN[Glu705Gly]RLQKMGESSL